The following is an entry in ClinVar:

NM_005591.4(MRE11):c.1630G>T (p.Asp544Tyr)

Gene: MRE11 (MRE11 double strand break repair nuclease; minus strand). Cytogenetic location: 11q21.
Variant type: single nucleotide variant.
Coding change: c.1630G>T on transcript NM_005591.4 (MANE Select); coding-DNA position 1630, G replaced by T.
Protein change: p.Asp544Tyr; replaces aspartic acid 544 with tyrosine.
Molecular consequence: missense variant.
Genome position (GRCh38, 1-based): chr11:94,447,372, C>A on the plus strand (G>T on the coding strand, the complement: MRE11 is on the minus strand). VCF-style: chr11-94447372-C-A. GRCh37 (hg19) VCF-style: chr11-94180538-C-A.
Other names: c.1630G>T, p.Asp544Tyr (NM_001330347.2, NM_005590.4); short protein forms D544Y.
Identifiers: ClinVar variation 3874331 (VCV003874331.1).

ClinVar aggregate classification (germline): Uncertain significance (1 of 4 stars; one submission).

Conditions:
Hereditary cancer-predisposing syndrome. Also called: Tumor predisposition; Neoplastic Syndromes, Hereditary; Hereditary Cancer Syndrome; Hereditary neoplastic syndrome. Identifiers: Orphanet 140162, MedGen C0027672, MeSH D009386, MONDO:0015356.

gnomAD v4.1: 1 of 1,614,164 alleles (0.000062%); highest among the groups gnomAD compares: South Asian, 0.0011%; no homozygotes.

Submission:

Ambry Genetics
Classification: Uncertain significance for Hereditary cancer-predisposing syndrome. Last evaluated: 2025-01-23. Review status: criteria provided, single submitter. Criteria: Ambry Variant Classification Scheme 2023. Collection method: clinical testing. Allele origin: germline.
Comment: The p.D544Y variant (also known as c.1630G>T), located in coding exon 14 of the MRE11A gene, results from a G to T substitution at nucleotide position 1630. The aspartic acid at codon 544 is replaced by tyrosine, an amino acid with highly dissimilar properties. This amino acid position is conserved. In addition, the in silico prediction for this alteration is inconclusive. Based on the available evidence, the clinical significance of this variant remains unclear.